The following is an entry in ClinVar:

ClinVar aggregate classification (germline): Conflicting classifications of pathogenicity. Review status: criteria provided, conflicting classifications (1 of 4 stars). 3 submissions from 3 submitters: Uncertain significance (2); Likely benign (1). Last evaluated 2025-10-31.

Conditions:
Hereditary cancer-predisposing syndrome. Also called: Neoplastic Syndromes, Hereditary; Tumor predisposition; Hereditary Cancer Syndrome; Hereditary neoplastic syndrome. Identifiers: Orphanet 140162, MedGen C0027672, MeSH D009386, MONDO:0015356.
Familial cancer of breast. Also called: BREAST CANCER, FAMILIAL; Hereditary breast cancer; hereditary breast carcinoma. Identifiers: Orphanet 227535, MedGen C0346153, MONDO:0016419, OMIM 114480. Disease mechanism: loss of function.

Allele frequency attached by ClinVar (database versions not stated): gnomAD exomes below 0.00001.
gnomAD v4.1: 1 of 1,612,872 alleles (0.000062%); highest among the groups gnomAD compares: Admixed American, 0.0017%; no homozygotes.

Submissions (3):

Quest Diagnostics Nichols Institute San Juan Capistrano
Classification: Uncertain significance. Last evaluated: 2025-10-31. Review status: criteria provided, single submitter. Criteria: Quest Diagnostics criteria. Collection method: clinical testing. Allele origin: unknown.
Comment: The PALB2 c.193C>G (p.Pro65Ala) variant has not been reported in individuals with PALB2-related conditions in the published literature. The frequency of this variant in the general population (Genome Aggregation Database) is uninformative in the assessment of its pathogenicity. Analysis of this variant using bioinformatics tools for the prediction of the effect of amino acid changes on protein structure and function yielded predictions that this variant is benign. Based on the available information, we are unable to determine the clinical significance of this variant.

Ambry Genetics
Classification: Likely benign for Hereditary cancer-predisposing syndrome. Last evaluated: 2024-06-27. Review status: criteria provided, single submitter. Criteria: Ambry Variant Classification Scheme 2023. Collection method: clinical testing. Allele origin: germline.

Labcorp Genetics (formerly Invitae), Labcorp
Classification: Uncertain significance for Familial cancer of breast. Last evaluated: 2022-10-09. Review status: criteria provided, single submitter. Criteria: Invitae Variant Classification Sherloc (09022015). Collection method: clinical testing. Allele origin: germline.
Comment: In summary, the available evidence is currently insufficient to determine the role of this variant in disease. Therefore, it has been classified as a Variant of Uncertain Significance. This sequence change replaces proline, which is neutral and non-polar, with alanine, which is neutral and non-polar, at codon 65 of the PALB2 protein (p.Pro65Ala). This variant is present in population databases (no rsID available, gnomAD 0.003%). This variant has not been reported in the literature in individuals affected with PALB2-related conditions. ClinVar contains an entry for this variant (Variation ID: 482012). Algorithms developed to predict the effect of missense changes on protein structure and function (SIFT, PolyPhen-2, Align-GVGD) all suggest that this variant is likely to be tolerated.

NM_024675.4(PALB2):c.193C>G (p.Pro65Ala)

Gene: PALB2 (partner and localizer of BRCA2; minus strand). Cytogenetic location: 16p12.2.
Variant type: single nucleotide variant.
Coding change: c.193C>G on transcript NM_024675.4 (MANE Select); coding-DNA position 193, C replaced by G.
Protein change: p.Pro65Ala; replaces proline 65 with alanine.
Molecular consequence: missense variant.
Genome position (GRCh38, 1-based): chr16:23,637,868, G>C on the plus strand (C>G on the coding strand, the complement: PALB2 is on the minus strand). VCF-style: chr16-23637868-G-C. GRCh37 (hg19) VCF-style: chr16-23649189-G-C.
Other names: short protein forms P65A.
Identifiers: ClinVar variation 482012 (VCV000482012.16), dbSNP rs1229828972, ClinGen allele CA395139040.